The following is an entry in ClinVar:

ClinVar aggregate classification (germline): Uncertain significance. Review status: criteria provided, multiple submitters, no conflicts (2 of 4 stars). 2 submissions from 2 submitters: Uncertain significance (2). Last evaluated 2024-12-23.

Conditions:
Inborn genetic diseases. Identifiers: MedGen C0950123, MeSH D030342.

Allele frequency attached by ClinVar (database versions not stated): gnomAD exomes below 0.00001; ExAC 0.00001.
gnomAD v4.1: 5 of 1,614,152 alleles (0.00031%); highest among the groups gnomAD compares: Non-Finnish European, 0.00017%; no homozygotes.

Submissions (2):

Labcorp Genetics (formerly Invitae), Labcorp
Classification: Uncertain significance. Last evaluated: 2024-12-23. Review status: criteria provided, single submitter. Criteria: Invitae Variant Classification Sherloc (09022015). Collection method: clinical testing. Allele origin: germline.
Comment: This sequence change replaces threonine, which is neutral and polar, with asparagine, which is neutral and polar, at codon 359 of the EPAS1 protein (p.Thr359Asn). This variant is present in population databases (rs758430668, gnomAD 0.01%). This variant has not been reported in the literature in individuals affected with EPAS1-related conditions. ClinVar contains an entry for this variant (Variation ID: 1784902). An algorithm developed to predict the effect of missense changes on protein structure and function (PolyPhen-2) suggests that this variant is likely to be disruptive. In summary, the available evidence is currently insufficient to determine the role of this variant in disease. Therefore, it has been classified as a Variant of Uncertain Significance.

Ambry Genetics
Classification: Uncertain significance for Inborn genetic diseases. Last evaluated: 2023-09-28. Review status: criteria provided, single submitter. Criteria: Ambry Variant Classification Scheme 2023. Collection method: clinical testing. Allele origin: germline.
Comment: The p.T359N variant (also known as c.1076C>A), located in coding exon 9 of the EPAS1 gene, results from a C to A substitution at nucleotide position 1076. The threonine at codon 359 is replaced by asparagine, an amino acid with similar properties. This amino acid position is conserved. In addition, this alteration is predicted to be tolerated by in silico analysis. Since supporting evidence is limited at this time, the clinical significance of this alteration remains unclear.

NM_001430.5(EPAS1):c.1076C>A (p.Thr359Asn)

Gene: EPAS1 (endothelial PAS domain protein 1; plus strand). Cytogenetic location: 2p21.
Variant type: single nucleotide variant.
Coding change: c.1076C>A on transcript NM_001430.5 (MANE Select); coding-DNA position 1076, C replaced by A.
Protein change: p.Thr359Asn; replaces threonine 359 with asparagine.
Molecular consequence: missense variant.
Genome position (GRCh38, 1-based): chr2:46,376,580, C>A. VCF-style: chr2-46376580-C-A. GRCh37 (hg19) VCF-style: chr2-46603719-C-A.
Other names: short protein forms T359N.
Identifiers: ClinVar variation 1784902 (VCV001784902.4), dbSNP rs758430668, ClinGen allele CA1644882.
Genomic context (GRCh38, chr2:46,376,580, plus strand): 5'-GCTCTTTCCCCCCCATTAGTGAGATTGAGAAGAATGACGTGGTGTTCTCCATGGACCAGA[C>A]TGAATCCCTGTTCAAGCCCCACCTGATGGCCATGAACAGCATCTTTGATAGCAGTGGCAA-3'
Protein context (NP_001421.2, residues 349-369): KNDVVFSMDQ[Thr359Asn]ESLFKPHLMA